The following is an entry in ClinVar:

NM_000264.5(PTCH1):c.3705C>A (p.Ser1235Arg)

Gene: PTCH1 (patched 1; minus strand). Cytogenetic location: 9q22.32.
Variant type: single nucleotide variant.
Coding change: c.3705C>A on transcript NM_000264.5 (MANE Select); coding-DNA position 3705, C replaced by A.
Protein change: p.Ser1235Arg; replaces serine 1235 with arginine.
Molecular consequence: missense variant. On other transcripts: non-coding transcript variant (1).
Genome position (GRCh38, 1-based): chr9:95,449,168, G>T on the plus strand (C>A on the coding strand, the complement: PTCH1 is on the minus strand). VCF-style: chr9-95449168-G-T. GRCh37 (hg19) VCF-style: chr9-98211450-G-T.
Other names: c.3507C>A, p.Ser1169Arg (NM_001083602.3); c.3702C>A, p.Ser1234Arg (NM_001083603.3); c.3252C>A, p.Ser1084Arg (NM_001083604.3, NM_001083605.3, NM_001083606.3 and 1 more transcripts); c.3549C>A, p.Ser1183Arg (NM_001354918.2); short protein forms S1084R, S1169R, S1235R, S1183R, S1234R.
Identifiers: ClinVar variation 1438001 (VCV001438001.6), dbSNP rs1051927200, ClinGen allele CA374111105.

ClinVar aggregate classification (germline): Uncertain significance (1 of 4 stars; one submission).

Conditions:
Gorlin syndrome. Also called: Basal cell nevus syndrome; Nevoid Basal Cell Carcinoma Syndrome. Identifiers: Orphanet 377, MedGen C0004779, MONDO:0007187.

Submission:

Labcorp Genetics (formerly Invitae), Labcorp
Classification: Uncertain significance for Gorlin syndrome. Last evaluated: 2021-10-08. Review status: criteria provided, single submitter. Criteria: Invitae Variant Classification Sherloc (09022015). Collection method: clinical testing. Allele origin: germline.
Comment: In summary, the available evidence is currently insufficient to determine the role of this variant in disease. Therefore, it has been classified as a Variant of Uncertain Significance. Advanced modeling of protein sequence and biophysical properties (such as structural, functional, and spatial information, amino acid conservation, physicochemical variation, residue mobility, and thermodynamic stability) performed at Invitae indicates that this missense variant is not expected to disrupt PTCH1 protein function. This variant has not been reported in the literature in individuals affected with PTCH1-related conditions. This variant is not present in population databases (ExAC no frequency). This sequence change replaces serine with arginine at codon 1235 of the PTCH1 protein (p.Ser1235Arg). The serine residue is moderately conserved and there is a moderate physicochemical difference between serine and arginine.